The following is an entry in ClinVar:

NM_000088.4(COL1A1):c.658C>T (p.Arg220Ter)

Gene: COL1A1 (collagen type I alpha 1 chain; minus strand). Cytogenetic location: 17q21.33.
Variant type: single nucleotide variant.
Coding change: c.658C>T on transcript NM_000088.4 (MANE Select); coding-DNA position 658, C replaced by T.
Protein change: p.Arg220Ter; replaces arginine 220 with a stop codon.
Molecular consequence: nonsense.
Genome position (GRCh38, 1-based): chr17:50,197,770, G>A on the plus strand (C>T on the coding strand, the complement: COL1A1 is on the minus strand). VCF-style: chr17-50197770-G-A. GRCh37 (hg19) VCF-style: chr17-48275131-G-A.
Other names: c.658C>T (LRG_1t1); short protein forms R220*.
Identifiers: ClinVar variation 425637 (VCV000425637.25), dbSNP rs72667036, ClinGen allele CA291547917.
Genomic context (GRCh38, chr17:50,197,770, plus strand): 5'-TCTTCTTGCTGGGGATACTTACATCATCTCCATTCTTTCCAGGGGGACCTGGGGGACCTC[G>A]GGGACCCATGGGACCCTAGAAAAGATAGAAGAGGTGGTTAGAATATGGATAAGAAAAAAA-3'

ClinVar aggregate classification (germline): Pathogenic. Review status: criteria provided, multiple submitters, no conflicts (2 of 4 stars). 12 submissions from 12 submitters: Pathogenic (9). 3 of the submissions do not count toward it. Last evaluated 2026-02-20.

Conditions:
Osteogenesis imperfecta type I (OI1). Also called: OI, TYPE I; OSTEOGENESIS IMPERFECTA TARDA; OSTEOGENESIS IMPERFECTA WITH BLUE SCLERAE; Osteogenesis imperfecta type 1; Classic Non-deforming Osteogenesis Imperfecta with Blue Sclerae; Lobstein's Disease. Identifiers: Orphanet 216796, Orphanet 666, MedGen C0023931, MONDO:0008146, OMIM 166200. Disease mechanism: loss of function.
Stickler syndrome type 2 (STL2). Also called: STICKLER SYNDROME, BEADED VITREOUS TYPE; STICKLER SYNDROME, VITREOUS TYPE 2; STICKLER SYNDROME, TYPE II; COL11A1-Related Stickler Syndrome. Identifiers: Orphanet 828, Orphanet 90654, MedGen C1858084, MONDO:0011493, OMIM 604841.
COL1A1-related disorder. Also called: COL1A1-related condition; COL1A1- related disease.
Ehlers-Danlos syndrome, arthrochalasia type, 2. Also called: EHLERS-DANLOS SYNDROME, TYPE VIIB, AUTOSOMAL DOMINANT. Identifiers: MedGen CN293783, MONDO:0040501, OMIM 617821.
Osteogenesis imperfecta (OI). Identifiers: Orphanet 666, MedGen C0029434, MeSH D010013, MONDO:0019019.

Allele frequency attached by ClinVar (database versions not stated): gnomAD exomes below 0.00001.
gnomAD v4.1: 1 of 1,604,906 alleles (0.000062%); highest among the groups gnomAD compares: East Asian, 0.0022%; no homozygotes.

Submissions (12):

PreventionGenetics, part of Exact Sciences
Classification: Pathogenic for COL1A1-related condition. Last evaluated: 2026-02-20. Review status: criteria provided, single submitter. Criteria: ACMG Guidelines, 2015. Collection method: clinical testing. Allele origin: germline.
Comment: The COL1A1 c.658C>T variant is predicted to result in premature protein termination (p.Arg220*). This variant has been reported in multiple individuals with osteogenesis imperfecta, type I (see for example: Zhang et al. 2011. PubMed ID: 21667357; Additional File 1, Swinnen et al. 2011. PubMed ID: 22206639; Supplementary Table 1, Lin et al. 2015. PubMed ID: 26627451). This variant is reported in 0.0056% of alleles in individuals of East Asian descent in gnomAD. Nonsense variants in COL1A1 are expected to be pathogenic. This variant is interpreted as pathogenic.

Dasa
Classification: Pathogenic. Last evaluated: 2025-11-08. Review status: criteria provided, single submitter. Criteria: DASA Assertion Criteria. Collection method: clinical testing. Allele origin: germline.
Comment: NM_000088.4(COL1A1):c.658C>T (p.Arg220*) introduces a premature termination codon predicted to result in loss of normal protein function. Loss-of-function is an established mechanism of disease for this gene. This variant has been recurrently observed in individuals with related phenotype (PMID: 9443882; PMID: 18311573; PMID: 21667357; PMID: 22206639; PMID: 26627451). The variant is present at low frequency in population datasets. Based on the available data, this variant is classified as pathogenic.

Clinical Biomedical Laboratory, Shriners Hospital For Children - Canada
Classification: Pathogenic for Osteogenesis imperfecta type I. Last evaluated: 2025-05-23. Review status: criteria provided, single submitter. Criteria: ACMG Guidelines, 2015. Collection method: clinical testing. Allele origin: germline. Affected: yes.
Comment: This variant introduces a premature stop codon in exon 9 and is expected to lead to degradation of the affected transcript and haploinsufficiency of the alpha 1 chain of collagen type I, which is a typical cause of OI type I. This variant is absent from the Genome Aggregation Database (v.2.1.1), indicating it is rare. This variant has been reported in the literature (PMID 27509835;25944380). Variants predicted to introduce premature termination codons that lead to nonsense mediated decay of the affected transcript

Labcorp Genetics (formerly Invitae), Labcorp
Classification: Pathogenic for Osteogenesis imperfecta type I. Last evaluated: 2025-05-21. Review status: criteria provided, single submitter. Criteria: Invitae Variant Classification Sherloc (09022015). Collection method: clinical testing. Allele origin: germline.
Comment: This sequence change creates a premature translational stop signal (p.Arg220*) in the COL1A1 gene. It is expected to result in an absent or disrupted protein product. Loss-of-function variants in COL1A1 are known to be pathogenic (PMID: 7942841, 9295084, 9443882). This variant is present in population databases (rs72667036, gnomAD 0.006%). This premature translational stop signal has been observed in individual(s) with osteogenesis imperfecta type 1 (PMID: 9443882, 18311573, 21667357, 22206639, 26627451). ClinVar contains an entry for this variant (Variation ID: 425637). For these reasons, this variant has been classified as Pathogenic.

3billion
Classification: Pathogenic for Osteogenesis imperfecta type I. Last evaluated: 2024-12-11. Review status: criteria provided, single submitter. Criteria: ACMG Guidelines, 2015. Collection method: clinical testing. Allele origin: germline. Affected: yes.
Comment: The variant is observed at an extremely low frequency in the gnomAD v4.1.0 dataset (total allele frequency: <0.001%). Predicted Consequence/Location: Stop-gained (nonsense): predicted to result in a loss or disruption of normal protein function through nonsense-mediated decay (NMD) or protein truncation. Multiple pathogenic variants are reported downstream of the variant. The variant has been reported at least twice as pathogenic with clinical assertions and evidence for the classification (ClinVar ID: VCV000425637 /PMID: 9443882 /3billion dataset). Therefore, this variant is classified as Pathogenic according to the recommendation of ACMG/AMP guideline.

Blueprint Genetics
Classification: Pathogenic for COL1A1-related disorders. Last evaluated: 2023-06-20. Review status: criteria provided, single submitter. Criteria: ACMG Guidelines, 2015. Collection method: clinical testing. Allele origin: germline. Affected: yes. Observed: 2 variant alleles.

GeneDx
Classification: Pathogenic. Last evaluated: 2022-05-02. Review status: criteria provided, single submitter. Criteria: GeneDx Variant Classification Process June 2021. Collection method: clinical testing. Allele origin: germline. Affected: yes.
Comment: Nonsense variant predicted to result in protein truncation or nonsense mediated decay in a gene for which loss-of-function is a known mechanism of disease; Not observed at significant frequency in large population cohorts (gnomAD); This variant is associated with the following publications: (PMID: 26627451, 22753364, 30984112, 24501682, 31414283, 32581362, 25944380, 9443882, 21667357, 22206639, 18311573, 34107839, 31447884)

MGZ Medical Genetics Center
Classification: Pathogenic for Osteogenesis imperfecta type I. Last evaluated: 2021-07-15. Review status: criteria provided, single submitter. Criteria: ACMG Guidelines, 2015. Collection method: clinical testing. Allele origin: germline. Affected: yes. Observed: 1 variant allele.
Comment: ACMG criteria applied: PVS1, PM2_SUP, PP1

Genome Diagnostics Laboratory, The Hospital for Sick Children
Classification: Pathogenic for Osteogenesis imperfecta. Last evaluated: 2019-08-01. Review status: criteria provided, single submitter. Criteria: ACMG Guidelines, 2015. Collection method: clinical testing. Allele origin: germline.

Autoinflammatory diseases unit, CHU de Montpellier
Classification: Pathogenic for Stickler syndrome type 2. Last evaluated: 2024-10-02. Review status: no assertion criteria provided. Collection method: clinical testing. Allele origin: maternal. Affected: yes. Not counted in ClinVar's aggregate classification.

Department of Medical Sciences, Uppsala University
Classification: Pathogenic for OI type I. Review status: no assertion criteria provided. Collection method: clinical testing. Allele origin: maternal. Affected: yes. Observed: 1 variant allele. Not counted in ClinVar's aggregate classification.

NIHR Bioresource Rare Diseases, University of Cambridge
Classification: Likely pathogenic for Ehlers-Danlos syndrome, arthrochalasia type, 2. Review status: no assertion criteria provided. Collection method: research. Allele origin: unknown. Affected: yes. Observed: 1 variant allele. Not counted in ClinVar's aggregate classification.

Literature cited by the submitters: PubMed 9443882 (cited by 3 submitters); PubMed 18311573 (cited by Dasa and Labcorp Genetics (formerly Invitae), Labcorp); PubMed 21667357 (cited by Dasa and Labcorp Genetics (formerly Invitae), Labcorp); PubMed 22206639 (cited by Dasa and Labcorp Genetics (formerly Invitae), Labcorp); PubMed 26627451 (cited by Dasa and Labcorp Genetics (formerly Invitae), Labcorp); PubMed 27509835 (cited by Clinical Biomedical Laboratory, Shriners Hospital For Children - Canada); PubMed 25944380 (cited by Clinical Biomedical Laboratory, Shriners Hospital For Children - Canada and Department of Medical Sciences, Uppsala University); PubMed 7942841 (cited by Labcorp Genetics (formerly Invitae), Labcorp); PubMed 9295084 (cited by Labcorp Genetics (formerly Invitae), Labcorp); PubMed 32581362 (cited by NIHR Bioresource Rare Diseases, University of Cambridge).